The following is an entry in ClinVar:

NM_004629.2(FANCG):c.194C>T (p.Pro65Leu)

Gene: FANCG (FA complementation group G; minus strand). Cytogenetic location: 9p13.3.
Variant type: single nucleotide variant.
Coding change: c.194C>T on transcript NM_004629.2 (MANE Select); coding-DNA position 194, C replaced by T.
Protein change: p.Pro65Leu; replaces proline 65 with leucine.
Molecular consequence: missense variant.
Genome position (GRCh38, 1-based): chr9:35,078,718, G>A on the plus strand (C>T on the coding strand, the complement: FANCG is on the minus strand). VCF-style: chr9-35078718-G-A. GRCh37 (hg19) VCF-style: chr9-35078715-G-A.
Other names: short protein forms P65L.
Identifiers: ClinVar variation 3512858 (VCV003512858.1).

ClinVar aggregate classification (germline): Uncertain significance (1 of 4 stars; one submission).

Conditions:
Inborn genetic diseases. Identifiers: MedGen C0950123, MeSH D030342.

Submission:

Ambry Genetics
Classification: Uncertain significance for Inborn genetic diseases. Last evaluated: 2024-12-02. Review status: criteria provided, single submitter. Criteria: Ambry Variant Classification Scheme 2023. Collection method: clinical testing. Allele origin: germline.
Comment: The p.P65L variant (also known as c.194C>T), located in coding exon 3 of the FANCG gene, results from a C to T substitution at nucleotide position 194. The proline at codon 65 is replaced by leucine, an amino acid with similar properties. This amino acid position is conserved. In addition, this alteration is predicted to be tolerated by in silico analysis. Based on the available evidence, the clinical significance of this variant remains unclear.